The following is an entry in ClinVar:

ClinVar aggregate classification (germline): Uncertain significance. Review status: criteria provided, single submitter (1 of 4 stars). 2 submissions from 2 submitters: Uncertain significance (1). 1 of the submissions does not count toward it. Last evaluated 2022-06-22.

Conditions:
Aicardi-Goutieres syndrome 5. Identifiers: Orphanet 51, MedGen C2749659, MONDO:0013059, OMIM 612952.

Allele frequency attached by ClinVar (database versions not stated): gnomAD exomes below 0.00001; TOPMed below 0.00001.
gnomAD v4.1: 2 of 1,598,480 alleles (0.00013%); highest among the groups gnomAD compares: African/African-American, 0.0013%; no homozygotes.

Submissions (2):

Labcorp Genetics (formerly Invitae), Labcorp
Classification: Uncertain significance for Aicardi-Goutieres syndrome 5. Last evaluated: 2022-06-22. Review status: criteria provided, single submitter. Criteria: Invitae Variant Classification Sherloc (09022015). Collection method: clinical testing. Allele origin: germline.
Comment: This sequence change replaces methionine, which is neutral and non-polar, with valine, which is neutral and non-polar, at codon 385 of the SAMHD1 protein (p.Met385Val). This variant is not present in population databases (gnomAD no frequency). This missense change has been observed in individual(s) with Aicardi-Goutieres syndrome (PMID: 19525956). ClinVar contains an entry for this variant (Variation ID: 126405). Algorithms developed to predict the effect of missense changes on protein structure and function are either unavailable or do not agree on the potential impact of this missense change (SIFT: "Deleterious"; PolyPhen-2: "Possibly Damaging"; Align-GVGD: "Class C0"). Experimental studies have shown that this missense change affects SAMHD1 function (PMID: 28229507). Algorithms developed to predict the effect of sequence changes on RNA splicing suggest that this variant may create or strengthen a splice site. In summary, the available evidence is currently insufficient to determine the role of this variant in disease. Therefore, it has been classified as a Variant of Uncertain Significance.

GeneReviews
No classification provided. Condition: Aicardi-Goutieres syndrome 5. Review status: no classification provided. Collection method: literature only. Allele origin: germline. Affected: yes. Not counted in ClinVar's aggregate classification.

Literature cited by the submitters: PubMed 19525956 (cited by Labcorp Genetics (formerly Invitae), Labcorp); PubMed 28229507 (cited by Labcorp Genetics (formerly Invitae), Labcorp); NCBI Bookshelf NBK1475 (cited by GeneReviews).

NM_015474.4(SAMHD1):c.1153A>G (p.Met385Val)

Gene: SAMHD1 (SAM and HD domain containing deoxynucleoside triphosphate triphosphohydrolase 1; minus strand). Cytogenetic location: 20q11.23.
Variant type: single nucleotide variant.
Coding change: c.1153A>G on transcript NM_015474.4 (MANE Select); coding-DNA position 1153, A replaced by G.
Protein change: p.Met385Val; replaces methionine 385 with valine.
Molecular consequence: missense variant.
Genome position (GRCh38, 1-based): chr20:36,912,462, T>C on the plus strand (A>G on the coding strand, the complement: SAMHD1 is on the minus strand). VCF-style: chr20-36912462-T-C. GRCh37 (hg19) VCF-style: chr20-35540865-T-C.
Other names: c.1153A>G, p.Met385Val (NM_001363729.2, NM_001363733.2); short protein forms M385V.
Identifiers: ClinVar variation 126405 (VCV000126405.5), dbSNP rs515726140, ClinGen allele CA345510.
Genomic context (GRCh38, chr20:36,912,462, plus strand): 5'-GATACTCTAGCCAAGTATCAAGGAAAATTTTATAGGGAAATGACAATCAAGTTTCTTACA[T>C]TGTATCAATAATGTTGCCAACTTTGTGTTGATAAGCTCTACGGTGTAAAGAGTTGCGAGT-3'
Protein context (NP_056289.2, residues 375-395): QHKVGNIIDT[Met385Val]ITDAFLKADD